The following is an entry in ClinVar:

NM_000388.4(CASR):c.3073C>G (p.Leu1025Val)

Gene: CASR (calcium sensing receptor; plus strand). Cytogenetic location: 3q21.1.
Variant type: single nucleotide variant.
Coding change: c.3073C>G on transcript NM_000388.4 (MANE Select); coding-DNA position 3073, C replaced by G.
Protein change: p.Leu1025Val; replaces leucine 1025 with valine.
Molecular consequence: missense variant.
Genome position (GRCh38, 1-based): chr3:122,285,027, C>G. VCF-style: chr3-122285027-C-G. GRCh37 (hg19) VCF-style: chr3-122003874-C-G.
Other names: c.3103C>G, p.Leu1035Val (NM_001178065.2); short protein forms L1025V, L1035V.
Identifiers: ClinVar variation 2185654 (VCV002185654.4), dbSNP rs747388218, ClinGen allele CA354161382.

ClinVar aggregate classification (germline): Uncertain significance (1 of 4 stars; one submission).

Conditions:
Familial hypocalciuric hypercalcemia (FHH). Also called: Familial benign hypercalcemia. Identifiers: Orphanet 405, MedGen C1809471, MONDO:0018458.
Autosomal dominant hypocalcemia 1 (HYPOC1). Also called: HYPOCALCEMIA, FAMILIAL. Identifiers: MedGen C3715128, MONDO:0011013, OMIM 601198.

Submission:

Labcorp Genetics (formerly Invitae), Labcorp
Classification: Uncertain significance for Familial hypocalciuric hypercalcemia; Autosomal dominant hypocalcemia 1. Last evaluated: 2022-05-06. Review status: criteria provided, single submitter. Criteria: Invitae Variant Classification Sherloc (09022015). Collection method: clinical testing. Allele origin: germline.
Comment: This variant has not been reported in the literature in individuals affected with CASR-related conditions. This variant is not present in population databases (gnomAD no frequency). This sequence change replaces leucine, which is neutral and non-polar, with valine, which is neutral and non-polar, at codon 1025 of the CASR protein (p.Leu1025Val). In summary, the available evidence is currently insufficient to determine the role of this variant in disease. Therefore, it has been classified as a Variant of Uncertain Significance. Algorithms developed to predict the effect of missense changes on protein structure and function (SIFT, PolyPhen-2, Align-GVGD) all suggest that this variant is likely to be tolerated.